The following is an entry in ClinVar:

ClinVar aggregate classification (germline): Conflicting classifications of pathogenicity. Review status: criteria provided, conflicting classifications (1 of 4 stars). 2 submissions from 2 submitters: Likely pathogenic (1); Uncertain significance (1). Last evaluated 2025-02-16.

Submissions (2):

Laboratory of Genetics, Children's Clinical University Hospital Latvia
Classification: Likely pathogenic. Last evaluated: 2025-02-16. Review status: criteria provided, single submitter. Criteria: ACMG Guidelines, 2015. Collection method: clinical testing. Allele origin: germline. Affected: yes.

GeneDx
Classification: Uncertain significance. Last evaluated: 2023-11-21. Review status: criteria provided, single submitter. Criteria: GeneDx Variant Classification Process June 2021. Collection method: clinical testing. Allele origin: germline. Affected: yes.
Comment: Not observed at significant frequency in large population cohorts (gnomAD); In silico analysis supports that this missense variant has a deleterious effect on protein structure/function; Has not been previously published as pathogenic or benign to our knowledge

NM_001393504.1(MAST3):c.1303C>G (p.Arg435Gly)

Gene: MAST3 (microtubule associated serine/threonine kinase 3; plus strand). Cytogenetic location: 19p13.11.
Variant type: single nucleotide variant.
Coding change: c.1303C>G on transcript NM_001393504.1 (MANE Select); coding-DNA position 1303, C replaced by G.
Protein change: p.Arg435Gly; replaces arginine 435 with glycine.
Molecular consequence: missense variant.
Genome position (GRCh38, 1-based): chr19:18,130,573, C>G. VCF-style: chr19-18130573-C-G. GRCh37 (hg19) VCF-style: chr19-18241383-C-G.
Other names: c.1327C>G, p.Arg443Gly (NM_001393501.1); c.1306C>G, p.Arg436Gly (NM_001393502.1); c.1303C>G, p.Arg435Gly (NM_001393503.1); c.1300C>G, p.Arg434Gly (NM_001393505.1); c.1255C>G, p.Arg419Gly (NM_001393506.1, NM_001393513.1); c.1282C>G, p.Arg428Gly (NM_001393507.1); c.1237C>G, p.Arg413Gly (NM_001393508.1, NM_001393516.1); c.1234C>G, p.Arg412Gly (NM_001393509.1, NM_001393510.1, NM_001393512.1 and 2 more transcripts); and 4 more; short protein forms R397G, R405G, R406G, R411G, R412G, R413G, R419G, R428G.
Identifiers: ClinVar variation 3364776 (VCV003364776.2).